The following is an entry in ClinVar:

ClinVar aggregate classification (germline): Likely benign (0 of 4 stars; one submission).

Conditions:
KCNB2-related disorder. Also called: KCNB2-related condition.

gnomAD v4.1: 22 of 1,613,862 alleles (0.0014%); highest among the groups gnomAD compares: Non-Finnish European, 0.0014%; no homozygotes.

Submission:

PreventionGenetics, part of Exact Sciences
Classification: Likely benign for KCNB2-related condition. Last evaluated: 2019-02-21. Review status: no assertion criteria provided. Collection method: clinical testing. Allele origin: germline.
Comment: This variant is classified as likely benign based on ACMG/AMP sequence variant interpretation guidelines (Richards et al. 2015 PMID: 25741868, with internal and published modifications).

NM_004770.3(KCNB2):c.129C>T (p.Gly43=)

Gene: KCNB2 (potassium voltage-gated channel subfamily B member 2; plus strand). Cytogenetic location: 8q21.11.
Variant type: single nucleotide variant.
Coding change: c.129C>T on transcript NM_004770.3 (MANE Select); coding-DNA position 129, C replaced by T.
Protein change: p.Gly43=; no amino-acid change (glycine 43 retained).
Molecular consequence: synonymous variant.
Genome position (GRCh38, 1-based): chr8:72,567,863, C>T. VCF-style: chr8-72567863-C-T. GRCh37 (hg19) VCF-style: chr8-73480098-C-T.
Identifiers: ClinVar variation 3352958 (VCV003352958.1).
Genomic context (GRCh38, chr8:72,567,863, plus strand): 5'-GCCTGTGGACATTATCCGGAGCAAAACATGCTCCAGGAGAGTTAAGATCAATGTGGGGGG[C>T]CTCAACCACGAAGTCCTGTGGAGAACGCTGGACAGGCTGCCCAGGACGCGCCTGGGGAAG-3'
Protein context (NP_004761.2, residues 33-53): CSRRVKINVG[Gly43=]LNHEVLWRTL